The following is an entry in ClinVar:

ClinVar aggregate classification (germline): Uncertain significance. Review status: criteria provided, single submitter (1 of 4 stars). 2 submissions from 2 submitters: Uncertain significance (1). 1 of the submissions does not count toward it. Last evaluated 2025-09-21.

Conditions:
3-methylglutaconic aciduria, type VIIB (MGCA7B). Also called: 3-methylglutaconic aciduria, type VII, with cataracts, neurologic involvement and neutropenia; CLPB Deficiency; 3-methylglutaconic aciduria with cataracts, neurologic involvement and neutropenia. Identifiers: Orphanet 445038, MedGen C5676893, MONDO:0014561, OMIM 616271.
CLPB-related disorder. Also called: CLPB-related condition.

Allele frequency attached by ClinVar (database versions not stated): gnomAD exomes 0.00001; ExAC 0.00003; gnomAD 0.00004 and 0.00005; TOPMed 0.00008; 1000 Genomes Project 0.00020; 1000 Genomes Project 30x 0.00031.

Submissions (2):

Labcorp Genetics (formerly Invitae), Labcorp
Classification: Uncertain significance for 3-methylglutaconic aciduria, type VIIB. Last evaluated: 2025-09-21. Review status: criteria provided, single submitter. Criteria: Invitae Variant Classification Sherloc (09022015). Collection method: clinical testing. Allele origin: germline.
Comment: This sequence change replaces arginine, which is basic and polar, with histidine, which is basic and polar, at codon 329 of the CLPB protein (p.Arg329His). This variant is present in population databases (rs547532550, gnomAD 0.01%). This variant has not been reported in the literature in individuals affected with CLPB-related conditions. ClinVar contains an entry for this variant (Variation ID: 844712). An algorithm developed to predict the effect of missense changes on protein structure and function (PolyPhen-2) suggests that this variant is likely to be disruptive. In summary, the available evidence is currently insufficient to determine the role of this variant in disease. Therefore, it has been classified as a Variant of Uncertain Significance.

PreventionGenetics, part of Exact Sciences
Classification: Uncertain significance for CLPB-related condition. Last evaluated: 2024-01-12. Review status: no assertion criteria provided. Collection method: clinical testing. Allele origin: germline. Not counted in ClinVar's aggregate classification.
Comment: The CLPB c.986G>A variant is predicted to result in the amino acid substitution p.Arg329His. To our knowledge, this variant has not been reported in the literature. This variant is reported in 0.012% of alleles in individuals of African descent in gnomAD. At this time, the clinical significance of this variant is uncertain due to the absence of conclusive functional and genetic evidence.

NM_001258392.3(CLPB):c.896G>A (p.Arg299His)

Gene: CLPB (ClpB family mitochondrial disaggregase; minus strand). Cytogenetic location: 11q13.4.
Variant type: single nucleotide variant.
Coding change: c.896G>A on transcript NM_001258392.3 (MANE Select); coding-DNA position 896, G replaced by A.
Protein change: p.Arg299His; replaces arginine 299 with histidine.
Molecular consequence: missense variant.
Genome position (GRCh38, 1-based): chr11:72,317,198, C>T on the plus strand (G>A on the coding strand, the complement: CLPB is on the minus strand). VCF-style: chr11-72317198-C-T. GRCh37 (hg19) VCF-style: chr11-72028242-C-T.
Other names: c.809G>A, p.Arg270His (NM_001258393.3); c.851G>A, p.Arg284His (NM_001258394.3); c.986G>A, p.Arg329His (NM_030813.6); short protein forms R329H, R270H, R284H, R299H.
Identifiers: ClinVar variation 844712 (VCV000844712.12), dbSNP rs547532550, ClinGen allele CA6171336.